The following is an entry in ClinVar:

ClinVar aggregate classification (germline): Likely benign. Review status: criteria provided, multiple submitters, no conflicts (2 of 4 stars). 2 submissions from 2 submitters: Likely benign (2). Last evaluated 2025-09-07.

Conditions:
Neuronal ceroid lipofuscinosis. Also called: Neuronal Ceroid Lipofuscinoses. Identifiers: Orphanet 216, Orphanet 79263, MedGen C0027877, MONDO:0016295. Disease mechanism: loss of function.

Allele frequency attached by ClinVar (database versions not stated): gnomAD 0.00003; TOPMed 0.00003.
gnomAD v4.1: 6 of 1,614,094 alleles (0.00037%); highest among the groups gnomAD compares: African/African-American, 0.0067%; no homozygotes.

Submissions (2):

Labcorp Genetics (formerly Invitae), Labcorp
Classification: Likely benign for Neuronal ceroid lipofuscinosis. Last evaluated: 2025-09-07. Review status: criteria provided, single submitter. Criteria: Invitae Variant Classification Sherloc (09022015). Collection method: clinical testing. Allele origin: germline.

GeneDx
Classification: Likely benign. Last evaluated: 2017-10-24. Review status: criteria provided, single submitter. Criteria: GeneDx Variant Classification (06012015). Collection method: clinical testing. Allele origin: germline. Affected: yes.
Comment: This variant is considered likely benign or benign based on one or more of the following criteria: it is a conservative change, it occurs at a poorly conserved position in the protein, it is predicted to be benign by multiple in silico algorithms, and/or has population frequency not consistent with disease.

NM_018941.4(CLN8):c.270G>A (p.Val90=)

Gene: CLN8 (CLN8 transmembrane ER and ERGIC protein; plus strand). Cytogenetic location: 8p23.3.
Variant type: single nucleotide variant.
Coding change: c.270G>A on transcript NM_018941.4 (MANE Select); coding-DNA position 270, G replaced by A.
Protein change: p.Val90=; no amino-acid change (valine 90 retained).
Molecular consequence: synonymous variant.
Genome position (GRCh38, 1-based): chr8:1,771,324, G>A. VCF-style: chr8-1771324-G-A. GRCh37 (hg19) VCF-style: chr8-1719490-G-A.
Identifiers: ClinVar variation 512752 (VCV000512752.8), dbSNP rs561448346, ClinGen allele CA170445713.